The following is an entry in ClinVar:

NM_024577.4(SH3TC2):c.1490C>T (p.Ser497Phe)

Gene: SH3TC2 (SH3 domain and tetratricopeptide repeats 2; minus strand). Cytogenetic location: 5q32.
Variant type: single nucleotide variant.
Coding change: c.1490C>T on transcript NM_024577.4 (MANE Select); coding-DNA position 1490, C replaced by T.
Protein change: p.Ser497Phe; replaces serine 497 with phenylalanine.
Molecular consequence: missense variant.
Genome position (GRCh38, 1-based): chr5:149,028,242, G>A on the plus strand (C>T on the coding strand, the complement: SH3TC2 is on the minus strand). VCF-style: chr5-149028242-G-A. GRCh37 (hg19) VCF-style: chr5-148407805-G-A.
Other names: short protein forms S497F.
Identifiers: ClinVar variation 1439325 (VCV001439325.8), dbSNP rs768299505, ClinGen allele CA3499165.

ClinVar aggregate classification (germline): Uncertain significance (1 of 4 stars; one submission).

Conditions:
Charcot-Marie-Tooth disease type 4. Also called: Charcot-Marie-Tooth disease, type IV; Charcot-Marie-Tooth, Type 4. Identifiers: Orphanet 64749, MedGen C4082197, MONDO:0018995.

Allele frequency attached by ClinVar (database versions not stated): gnomAD exomes below 0.00001 and 0.00001; ExAC 0.00001; TOPMed 0.00001.
gnomAD v4.1: 8 of 1,614,018 alleles (0.0005%); highest among the groups gnomAD compares: Non-Finnish European, 0.00068%; no homozygotes.

Submission:

Labcorp Genetics (formerly Invitae), Labcorp
Classification: Uncertain significance for Charcot-Marie-Tooth disease type 4. Last evaluated: 2021-07-21. Review status: criteria provided, single submitter. Criteria: Invitae Variant Classification Sherloc (09022015). Collection method: clinical testing. Allele origin: germline.
Comment: This sequence change replaces serine with phenylalanine at codon 497 of the SH3TC2 protein (p.Ser497Phe). The serine residue is highly conserved and there is a large physicochemical difference between serine and phenylalanine. In summary, the available evidence is currently insufficient to determine the role of this variant in disease. Therefore, it has been classified as a Variant of Uncertain Significance. Advanced modeling of protein sequence and biophysical properties (such as structural, functional, and spatial information, amino acid conservation, physicochemical variation, residue mobility, and thermodynamic stability) performed at Invitae indicates that this missense variant is not expected to disrupt SH3TC2 protein function. This variant has not been reported in the literature in individuals affected with SH3TC2-related conditions. This variant is present in population databases (rs768299505, ExAC 0.002%).